The following is an entry in ClinVar:

NM_017819.4(TRMT10C):c.1015G>C (p.Asp339His)

Gene: TRMT10C (tRNA methyltransferase 10C, mitochondrial RNase P subunit; plus strand). Cytogenetic location: 3q12.3.
Variant type: single nucleotide variant.
Coding change: c.1015G>C on transcript NM_017819.4 (MANE Select); coding-DNA position 1015, G replaced by C.
Protein change: p.Asp339His; replaces aspartic acid 339 with histidine.
Molecular consequence: missense variant.
Genome position (GRCh38, 1-based): chr3:101,565,796, G>C. VCF-style: chr3-101565796-G-C. GRCh37 (hg19) VCF-style: chr3-101284640-G-C.
Other names: short protein forms D339H.
Identifiers: ClinVar variation 2190326 (VCV002190326.4), dbSNP rs200565950, ClinGen allele CA2520607.

ClinVar aggregate classification (germline): Uncertain significance (1 of 4 stars; one submission).

Allele frequency attached by ClinVar (database versions not stated): TOPMed 0.00007; ExAC 0.00008; gnomAD exomes 0.00008; gnomAD 0.00010; ESP Exome Variant Server 0.00017.
gnomAD v4.1: 138 of 1,614,034 alleles (0.0086%); highest among the groups gnomAD compares: South Asian, 0.03%; no homozygotes.

Submission:

Labcorp Genetics (formerly Invitae), Labcorp
Classification: Uncertain significance. Last evaluated: 2025-03-17. Review status: criteria provided, single submitter. Criteria: Invitae Variant Classification Sherloc (09022015). Collection method: clinical testing. Allele origin: germline.
Comment: This sequence change replaces aspartic acid, which is acidic and polar, with histidine, which is basic and polar, at codon 339 of the TRMT10C protein (p.Asp339His). This variant is present in population databases (rs200565950, gnomAD 0.2%), and has an allele count higher than expected for a pathogenic variant. This variant has not been reported in the literature in individuals affected with TRMT10C-related conditions. ClinVar contains an entry for this variant (Variation ID: 2190326). Invitae Evidence Modeling of protein sequence and biophysical properties (such as structural, functional, and spatial information, amino acid conservation, physicochemical variation, residue mobility, and thermodynamic stability) indicates that this missense variant is expected to disrupt TRMT10C protein function with a positive predictive value of 80%. In summary, the available evidence is currently insufficient to determine the role of this variant in disease. Therefore, it has been classified as a Variant of Uncertain Significance.